The following is an entry in ClinVar:

NM_000528.4(MAN2B1):c.1929-1G>T

Gene: MAN2B1 (mannosidase alpha class 2B member 1; minus strand). Cytogenetic location: 19p13.13.
Variant type: single nucleotide variant.
Coding change: c.1929-1G>T on transcript NM_000528.4 (MANE Select); the canonical splice acceptor site of the intron before coding-DNA position 1929, G replaced by T.
Molecular consequence: splice acceptor variant.
Genome position (GRCh38, 1-based): chr19:12,652,271, C>A on the plus strand (G>T on the coding strand, the complement: MAN2B1 is on the minus strand). VCF-style: chr19-12652271-C-A. GRCh37 (hg19) VCF-style: chr19-12763085-C-A.
Other names: c.1926-1G>T (NM_001173498.2).
Identifiers: ClinVar variation 521235 (VCV000521235.12), dbSNP rs763100457, ClinGen allele CA9226259.

ClinVar aggregate classification (germline): Pathogenic/Likely pathogenic. Review status: criteria provided, multiple submitters, no conflicts (2 of 4 stars). 6 submissions from 6 submitters: Pathogenic (2); Likely pathogenic (3). 1 of the submissions does not count toward it. Last evaluated 2025-07-29.

Conditions:
Deficiency of alpha-mannosidase (MANSA). Also called: LYSOSOMAL ALPHA-D-MANNOSIDASE DEFICIENCY; Alpha-Mannosidosis; Mannosidosis, alpha-, types I and II. Identifiers: Orphanet 61, MedGen C0024748, MONDO:0009561, OMIM 248500.
Inborn genetic diseases. Identifiers: MedGen C0950123, MeSH D030342.

Allele frequency attached by ClinVar (database versions not stated): gnomAD exomes below 0.00001 and 0.00001; TOPMed below 0.00001; ExAC 0.00002; gnomAD 0.00002.
gnomAD v4.1: 4 of 1,613,696 alleles (0.00025%); highest among the groups gnomAD compares: African/African-American, 0.004%; no homozygotes.

Submissions (6):

Natera, Inc.
Classification: Likely pathogenic for Alpha-mannosidosis. Last evaluated: 2025-07-29. Review status: criteria provided, single submitter. Criteria: Natera Variant Classification Schema (03/2026). Collection method: clinical testing. Allele origin: germline.
Comment: The c.1929-1G>T variant in MAN2B1 is a canonical splice acceptor site variant predicted to affect pre-mRNA splicing, which may result in an abnormal transcript and altered protein product. This variant is expected to result in nonsense mediated decay, truncation, or a dysfunctional protein product. This variant is rare in the general population with a frequency below the threshold expected for the associated phenotype(s). Given the available evidence, this variant is classified as Likely Pathogenic.

Labcorp Genetics (formerly Invitae), Labcorp
Classification: Likely pathogenic for Deficiency of alpha-mannosidase. Last evaluated: 2024-01-14. Review status: criteria provided, single submitter. Criteria: Invitae Variant Classification Sherloc (09022015). Collection method: clinical testing. Allele origin: germline.
Comment: This sequence change affects an acceptor splice site in intron 15 of the MAN2B1 gene. It is expected to disrupt RNA splicing. Variants that disrupt the donor or acceptor splice site typically lead to a loss of protein function (PMID: 16199547), and loss-of-function variants in MAN2B1 are known to be pathogenic (PMID: 9915946, 22161967). This variant is present in population databases (rs763100457, gnomAD 0.02%). This variant has not been reported in the literature in individuals affected with MAN2B1-related conditions. ClinVar contains an entry for this variant (Variation ID: 521235). Algorithms developed to predict the effect of sequence changes on RNA splicing suggest that this variant may disrupt the consensus splice site. In summary, the currently available evidence indicates that the variant is pathogenic, but additional data are needed to prove that conclusively. Therefore, this variant has been classified as Likely Pathogenic.

Baylor Genetics
Classification: Likely pathogenic for Deficiency of alpha-mannosidase. Last evaluated: 2023-05-25. Review status: criteria provided, single submitter. Criteria: ACMG Guidelines, 2015. Collection method: clinical testing. Allele origin: unknown.

Genome-Nilou Lab
Classification: Pathogenic for Deficiency of alpha-mannosidase. Last evaluated: 2021-09-05. Review status: criteria provided, single submitter. Criteria: ACMG Guidelines, 2015. Collection method: clinical testing. Allele origin: germline. Affected: no.

Ambry Genetics
Classification: Pathogenic for Inborn genetic diseases. Last evaluated: 2016-08-11. Review status: criteria provided, single submitter. Criteria: Ambry exome assertion method (8-5-2015). Collection method: clinical testing. Allele origin: germline. Affected: yes. Observed: 1 variant allele.

Counsyl
Classification: Likely pathogenic for Deficiency of alpha-mannosidase. Last evaluated: 2017-10-06. Review status: no assertion criteria provided. Collection method: clinical testing. Allele origin: unknown. Not counted in ClinVar's aggregate classification.

Literature cited by the submitters: PubMed 16199547 (cited by Labcorp Genetics (formerly Invitae), Labcorp); PubMed 9915946 (cited by Labcorp Genetics (formerly Invitae), Labcorp); PubMed 22161967 (cited by Labcorp Genetics (formerly Invitae), Labcorp).